The following is an entry in ClinVar:

NM_002241.5(KCNJ10):c.*89C>T

Gene: KCNJ10 (potassium inwardly rectifying channel subfamily J member 10; minus strand). Cytogenetic location: 1q23.2.
Variant type: single nucleotide variant.
Coding change: c.*89C>T on transcript NM_002241.5 (MANE Select); 89 bases downstream of the stop codon, C replaced by T.
Molecular consequence: 3 prime UTR variant.
Genome position (GRCh38, 1-based): chr1:160,041,304, G>A on the plus strand (C>T on the coding strand, the complement: KCNJ10 is on the minus strand). VCF-style: chr1-160041304-G-A. GRCh37 (hg19) VCF-style: chr1-160011094-G-A.
Identifiers: ClinVar variation 873573 (VCV000873573.4), dbSNP rs115130978, ClinGen allele CA31469822.
Genomic context (GRCh38, chr1:160,041,304, plus strand): 5'-CTAAGCTACCAACAGGCCACTGGGTTAAAGAAGAGGGAGTGGAGGATGGGTGCTTCGGGG[G>A]ATCTCCAGTAAACCCGGGTAGTATTCCTTACCAGGGCATTGGAAGAGAGGAAAAGAGACC-3'

ClinVar aggregate classification (germline): Benign/Likely benign. Review status: criteria provided, single submitter (1 of 4 stars). 2 submissions from 1 submitter: Benign (1); Likely benign (1). Last evaluated 2018-01-13.

Conditions:
EAST syndrome (SESAMES). Also called: SEIZURES, SENSORINEURAL DEAFNESS, ATAXIA, IMPAIRED INTELLECTUAL DEVELOPMENT, AND ELECTROLYTE IMBALANCE. Identifiers: Orphanet 199343, MedGen C2748572, MONDO:0013005, OMIM 612780.
Autosomal recessive nonsyndromic hearing loss 4 (DFNB4). Also called: FOXI1-Related Pendred Syndrome; KCNJ10-Related Pendred Syndrome; DEAFNESS, AUTOSOMAL RECESSIVE 4, WITH ENLARGED VESTIBULAR AQUEDUCT, DIGENIC; Deafness, autosomal recessive 4, with enlarged vestibular aqueduct; NEUROSENSORY NONSYNDROMIC RECESSIVE DEAFNESS 4; Deafness, autosomal recessive 4. Identifiers: Orphanet 90636, MedGen C3538946, MONDO:0010933, OMIM 600791.

Allele frequency attached by ClinVar (database versions not stated): 1000 Genomes Project 30x 0.01312; 1000 Genomes Project 0.01338; TOPMed 0.01347.
gnomAD v4.1: 3,349 of 1,315,320 alleles (0.25%); highest among the groups gnomAD compares: African/African-American, 4.2%; 75 homozygotes.

Submissions (2):

Illumina Laboratory Services, Illumina
Classification: Likely benign for Autosomal recessive nonsyndromic hearing loss 4. Last evaluated: 2018-01-13. Review status: criteria provided, single submitter. Criteria: ICSL Variant Classification Criteria 13 December 2019. Collection method: clinical testing. Allele origin: germline.
Comment: This variant was observed in the ICSL laboratory as part of a predisposition screen in an ostensibly healthy population. It had not been previously curated by ICSL or reported in the Human Gene Mutation Database (HGMD: prior to June 1st, 2018), and was therefore a candidate for classification through an automated scoring system. Utilizing variant allele frequency, disease prevalence and penetrance estimates, and inheritance mode, an automated score was calculated to assess if this variant is too frequent to cause the disease. Based on the score and internal cut-off values, a variant classified as likely benign is not then subjected to further curation. The score for this variant resulted in a classification of likely benign for this disease.

Illumina Laboratory Services, Illumina
Classification: Benign for EAST syndrome. Last evaluated: 2018-01-13. Review status: criteria provided, single submitter. Criteria: ICSL Variant Classification Criteria 13 December 2019. Collection method: clinical testing. Allele origin: germline.
Comment: This variant was observed in the ICSL laboratory as part of a predisposition screen in an ostensibly healthy population. It had not been previously curated by ICSL or reported in the Human Gene Mutation Database (HGMD: prior to June 1st, 2018), and was therefore a candidate for classification through an automated scoring system. Utilizing variant allele frequency, disease prevalence and penetrance estimates, and inheritance mode, an automated score was calculated to assess if this variant is too frequent to cause the disease. Based on the score and internal cut-off values, a variant classified as benign is not then subjected to further curation. The score for this variant resulted in a classification of benign for this disease.